The following is an entry in ClinVar:

ClinVar aggregate classification (germline): Uncertain significance (1 of 4 stars; one submission).

gnomAD v4.1: 1 of 1,614,144 alleles (0.000062%); highest among the groups gnomAD compares: Non-Finnish European, 0.000085%; no homozygotes.

Submission:

Labcorp Genetics (formerly Invitae), Labcorp
Classification: Uncertain significance. Last evaluated: 2021-11-27. Review status: criteria provided, single submitter. Criteria: Invitae Variant Classification Sherloc (09022015). Collection method: clinical testing. Allele origin: germline.
Comment: This sequence change replaces serine, which is neutral and polar, with asparagine, which is neutral and polar, at codon 706 of the DHX32 protein (p.Ser706Asn). This variant is not present in population databases (gnomAD no frequency). This variant has not been reported in the literature in individuals affected with DHX32-related conditions. Algorithms developed to predict the effect of missense changes on protein structure and function are either unavailable or do not agree on the potential impact of this missense change (SIFT: "Deleterious"; PolyPhen-2: "Benign"; Align-GVGD: "Class C0"). In summary, the available evidence is currently insufficient to determine the role of this variant in disease. Therefore, it has been classified as a Variant of Uncertain Significance.

NM_018180.3(DHX32):c.2117G>A (p.Ser706Asn)

Genes: BCCIP (BRCA2 and CDKN1A interacting protein; plus strand), DHX32 (DEAH-box helicase 32 (putative); minus strand). Cytogenetic location: 10q26.2.
Variant type: single nucleotide variant.
Coding change: c.2117G>A on transcript NM_018180.3 (MANE Select); coding-DNA position 2117, G replaced by A.
Protein change: p.Ser706Asn; replaces serine 706 with asparagine.
Molecular consequence: missense variant. On other transcripts: intron variant (2).
Genome position (GRCh38, 1-based): chr10:125,836,802, C>T on the plus strand (G>A on the coding strand, the complement: DHX32 is on the minus strand). VCF-style: chr10-125836802-C-T. GRCh37 (hg19) VCF-style: chr10-127525371-C-T.
Other names: c.774+2856C>T (NM_016567.4, NM_078469.3); short protein forms S706N.
Identifiers: ClinVar variation 1438657 (VCV001438657.7), dbSNP rs2134018418, ClinGen allele CA378671439.